The following is an entry in ClinVar:

NM_001271.4(CHD2):c.2598G>T (p.Ser866=)

Gene: CHD2 (chromodomain helicase DNA binding protein 2; plus strand). Cytogenetic location: 15q26.1.
Variant type: single nucleotide variant.
Coding change: c.2598G>T on transcript NM_001271.4 (MANE Select); coding-DNA position 2598, G replaced by T.
Protein change: p.Ser866=; no amino-acid change (serine 866 retained).
Molecular consequence: synonymous variant.
Genome position (GRCh38, 1-based): chr15:92,978,254, G>T. VCF-style: chr15-92978254-G-T. GRCh37 (hg19) VCF-style: chr15-93521484-G-T.
Identifiers: ClinVar variation 2093165 (VCV002093165.4), dbSNP rs953120105, ClinGen allele CA492499639.
Genomic context (GRCh38, chr15:92,978,254, plus strand): 5'-GAAGGCCACTGCATAAAGTAGTATATTGCATTGTGTACAGGACTTCTGTTTCCTGCTCTC[G>T]ACAAGGGCTGGTGGCCTGGGAATCAATTTGGCTTCAGCGGACACAGTCGTCATCTTTGAC-3'
Protein context (NP_001262.3, residues 856-876): DGSEDFCFLL[Ser866=]TRAGGLGINL

ClinVar aggregate classification (germline): Uncertain significance (1 of 4 stars; one submission).

Conditions:
Developmental and epileptic encephalopathy 94 (DEE94). Also called: Epileptic encephalopathy, childhood-onset; CHD2-Related Neurodevelopmental Disorders. Identifiers: Orphanet 1942, Orphanet 2382, MedGen C3809278, MONDO:0014150, OMIM 615369.

gnomAD v4.1: 3 of 1,614,126 alleles (0.00019%); highest among the groups gnomAD compares: South Asian, 0.0011%; no homozygotes.

Submission:

Labcorp Genetics (formerly Invitae), Labcorp
Classification: Uncertain significance for Developmental and epileptic encephalopathy 94. Last evaluated: 2024-03-11. Review status: criteria provided, single submitter. Criteria: Invitae Variant Classification Sherloc (09022015). Collection method: clinical testing. Allele origin: germline.
Comment: This sequence change affects codon 866 of the CHD2 mRNA. It is a 'silent' change, meaning that it does not change the encoded amino acid sequence of the CHD2 protein. This variant is not present in population databases (gnomAD no frequency). This variant has not been reported in the literature in individuals affected with CHD2-related conditions. ClinVar contains an entry for this variant (Variation ID: 2093165). Algorithms developed to predict the effect of sequence changes on RNA splicing suggest that this variant may create or strengthen a splice site. In summary, the available evidence is currently insufficient to determine the role of this variant in disease. Therefore, it has been classified as a Variant of Uncertain Significance.